The following is an entry in ClinVar:

NM_025074.7(FRAS1):c.11230T>C (p.Tyr3744His)

Gene: FRAS1 (Fraser extracellular matrix complex subunit 1; plus strand). Cytogenetic location: 4q21.21.
Variant type: single nucleotide variant.
Coding change: c.11230T>C on transcript NM_025074.7 (MANE Select); coding-DNA position 11230, T replaced by C.
Protein change: p.Tyr3744His; replaces tyrosine 3744 with histidine.
Molecular consequence: missense variant.
Genome position (GRCh38, 1-based): chr4:78,537,132, T>C. VCF-style: chr4-78537132-T-C. GRCh37 (hg19) VCF-style: chr4-79458286-T-C.
Other names: short protein forms Y3744H.
Identifiers: ClinVar variation 3623873 (VCV003623873.2).

ClinVar aggregate classification (germline): Uncertain significance (1 of 4 stars; one submission).

gnomAD v4.1: 11 of 1,613,910 alleles (0.00068%); highest among the groups gnomAD compares: East Asian, 0.0067%; no homozygotes.

Submission:

Labcorp Genetics (formerly Invitae), Labcorp
Classification: Uncertain significance. Last evaluated: 2024-03-14. Review status: criteria provided, single submitter. Criteria: Invitae Variant Classification Sherloc (09022015). Collection method: clinical testing. Allele origin: germline.
Comment: This sequence change replaces tyrosine, which is neutral and polar, with histidine, which is basic and polar, at codon 3744 of the FRAS1 protein (p.Tyr3744His). This variant is present in population databases (rs774755425, gnomAD 0.01%). This variant has not been reported in the literature in individuals affected with FRAS1-related conditions. An algorithm developed to predict the effect of missense changes on protein structure and function (PolyPhen-2) suggests that this variant is likely to be disruptive. In summary, the available evidence is currently insufficient to determine the role of this variant in disease. Therefore, it has been classified as a Variant of Uncertain Significance.